The following is an entry in ClinVar:

NM_001035.3(RYR2):c.6302C>T (p.Ala2101Val)

Gene: RYR2 (ryanodine receptor 2; plus strand). Cytogenetic location: 1q43.
Variant type: single nucleotide variant.
Coding change: c.6302C>T on transcript NM_001035.3 (MANE Select); coding-DNA position 6302, C replaced by T.
Protein change: p.Ala2101Val; replaces alanine 2101 with valine.
Molecular consequence: missense variant.
Genome position (GRCh38, 1-based): chr1:237,627,942, C>T. VCF-style: chr1-237627942-C-T. GRCh37 (hg19) VCF-style: chr1-237791242-C-T.
Other names: short protein forms A2101V.
Identifiers: ClinVar variation 1366384 (VCV001366384.9), dbSNP rs2148667213, ClinGen allele CA345411136.

ClinVar aggregate classification (germline): Uncertain significance (1 of 4 stars; one submission).

Conditions:
Catecholaminergic polymorphic ventricular tachycardia 1. Also called: VENTRICULAR TACHYCARDIA, STRESS-INDUCED POLYMORPHIC 1; VENTRICULAR TACHYCARDIA, CATECHOLAMINERGIC POLYMORPHIC, 1, WITH OR WITHOUT ATRIAL DYSFUNCTION AND/OR DILATED CARDIOMYOPATHY; RYR2-Related Catecholaminergic Polymorphic Ventricular Tachycardia. Identifiers: Orphanet 3286, MedGen C1631597, MONDO:0011484, OMIM 604772.

Submission:

Labcorp Genetics (formerly Invitae), Labcorp
Classification: Uncertain significance for Catecholaminergic polymorphic ventricular tachycardia 1. Last evaluated: 2022-02-04. Review status: criteria provided, single submitter. Criteria: Invitae Variant Classification Sherloc (09022015). Collection method: clinical testing. Allele origin: germline.
Comment: Advanced modeling of protein sequence and biophysical properties (such as structural, functional, and spatial information, amino acid conservation, physicochemical variation, residue mobility, and thermodynamic stability) performed at Invitae indicates that this missense variant is expected to disrupt RYR2 protein function. In summary, the available evidence is currently insufficient to determine the role of this variant in disease. Therefore, it has been classified as a Variant of Uncertain Significance. This variant has not been reported in the literature in individuals affected with RYR2-related conditions. This variant is not present in population databases (gnomAD no frequency). This sequence change replaces alanine, which is neutral and non-polar, with valine, which is neutral and non-polar, at codon 2101 of the RYR2 protein (p.Ala2101Val).